The following is an entry in ClinVar:

NM_017780.4(CHD7):c.3922A>G (p.Arg1308Gly)

Gene: CHD7 (chromodomain helicase DNA binding protein 7; plus strand). Cytogenetic location: 8q12.2.
Variant type: single nucleotide variant.
Coding change: c.3922A>G on transcript NM_017780.4 (MANE Select); coding-DNA position 3922, A replaced by G.
Protein change: p.Arg1308Gly; replaces arginine 1308 with glycine.
Molecular consequence: missense variant. On other transcripts: intron variant (1).
Genome position (GRCh38, 1-based): chr8:60,836,216, A>G. VCF-style: chr8-60836216-A-G. GRCh37 (hg19) VCF-style: chr8-61748775-A-G.
Other names: c.1717-26013A>G (NM_001316690.1); short protein forms R1308G.
Identifiers: ClinVar variation 3343438 (VCV003343438.1).

ClinVar aggregate classification (germline): Uncertain significance (1 of 4 stars; one submission).

Submission:

GeneDx
Classification: Uncertain significance. Last evaluated: 2023-05-11. Review status: criteria provided, single submitter. Criteria: GeneDx Variant Classification Process June 2021. Collection method: clinical testing. Allele origin: germline. Affected: yes.
Comment: Not observed at significant frequency in large population cohorts (gnomAD); In silico analysis supports that this missense variant has a deleterious effect on protein structure/function; Has not been previously published as pathogenic or benign to our knowledge